The following is an entry in ClinVar:

NM_016614.3(TDP2):c.266A>G (p.Asn89Ser)

Gene: TDP2 (tyrosyl-DNA phosphodiesterase 2; minus strand). Cytogenetic location: 6p22.3.
Variant type: single nucleotide variant.
Coding change: c.266A>G on transcript NM_016614.3 (MANE Select); coding-DNA position 266, A replaced by G.
Protein change: p.Asn89Ser; replaces asparagine 89 with serine.
Molecular consequence: missense variant.
Genome position (GRCh38, 1-based): chr6:24,658,720, T>C on the plus strand (A>G on the coding strand, the complement: TDP2 is on the minus strand). VCF-style: chr6-24658720-T-C. GRCh37 (hg19) VCF-style: chr6-24658948-T-C.
Other names: p.Asn89Ser; short protein forms N89S.
Identifiers: ClinVar variation 727113 (VCV000727113.38), dbSNP rs61757564, ClinGen allele CA3658191.
Genomic context (GRCh38, chr6:24,658,720, plus strand): 5'-TCTTGCTGAGTATCTTCAGATGGGCTGATTTTAGAAGTGGTGGAATCAGTTGTTTCTTCA[T>C]TGGTTAGGTCAACACTGGCAAGATCAGAATAAAACATGGCTTTGCAAATAATCTATAAAT-3'
Protein context (NP_057698.2, residues 79-99): SEPKTYVDLT[Asn89Ser]EETTDSTTSK

ClinVar aggregate classification (germline): Benign/Likely benign. Review status: criteria provided, multiple submitters, no conflicts (2 of 4 stars). 6 submissions from 6 submitters: Benign (1); Likely benign (4). 1 of the submissions does not count toward it. Last evaluated 2026-08-01.

Conditions:
TDP2-related disorder. Also called: TDP2-related condition.

Allele frequency attached by ClinVar (database versions not stated): 1000 Genomes Project 0.00040; 1000 Genomes Project 30x 0.00062; gnomAD exomes 0.00197 and 0.00345; ExAC 0.00208; gnomAD 0.00226 and 0.00235; TOPMed 0.00228; ESP Exome Variant Server 0.00269.
gnomAD v4.1: 5,320 of 1,613,662 alleles (0.33%); highest among the groups gnomAD compares: Non-Finnish European, 0.42%; 10 homozygotes.

Submissions (6):

CeGaT Center for Human Genetics Tuebingen
Classification: Likely benign. Last evaluated: 2026-08-01. Review status: criteria provided, single submitter. Criteria: CeGaT Center For Human Genetics Tuebingen Variant Classification Criteria Version 2. Collection method: clinical testing. Allele origin: germline. Affected: yes. Observed: 11 variant alleles.
Comment: TDP2: BP4, BS2

Blueprint Genetics
Classification: Likely benign. Last evaluated: 2024-11-26. Review status: criteria provided, single submitter. Criteria: ACMG Guidelines, 2015. Collection method: clinical testing. Allele origin: germline.

Mayo Clinic Laboratories, Mayo Clinic
Classification: Benign. Last evaluated: 2024-08-07. Review status: criteria provided, single submitter. Criteria: ACMG Guidelines, 2015. Collection method: clinical testing. Allele origin: germline. Observed: 2 variant alleles.
Comment: BS1, BS2, BP4

Labcorp Genetics (formerly Invitae), Labcorp
Classification: Likely benign. Last evaluated: 2019-12-31. Review status: criteria provided, single submitter. Criteria: Invitae Variant Classification Sherloc (09022015). Collection method: clinical testing. Allele origin: germline.

Breakthrough Genomics
Classification: Likely benign. Review status: criteria provided, single submitter. Criteria: ACMG Guidelines, 2015. Collection method: not provided. Allele origin: germline. Inheritance: Autosomal recessive inheritance. Affected: yes.

PreventionGenetics, part of Exact Sciences
Classification: Likely benign for TDP2-related condition. Last evaluated: 2022-05-18. Review status: no assertion criteria provided. Collection method: clinical testing. Allele origin: germline. Not counted in ClinVar's aggregate classification.
Comment: This variant is classified as likely benign based on ACMG/AMP sequence variant interpretation guidelines (Richards et al. 2015 PMID: 25741868, with internal and published modifications).